The following is an entry in ClinVar:

NM_206933.4(USH2A):c.9424G>C (p.Gly3142Arg)

Gene: USH2A (usherin; minus strand). Cytogenetic location: 1q41.
Variant type: single nucleotide variant.
Coding change: c.9424G>C on transcript NM_206933.4 (MANE Select); coding-DNA position 9424, G replaced by C.
Protein change: p.Gly3142Arg; replaces glycine 3142 with arginine.
Molecular consequence: missense variant.
Genome position (GRCh38, 1-based): chr1:215,817,143, C>G on the plus strand (G>C on the coding strand, the complement: USH2A is on the minus strand). VCF-style: chr1-215817143-C-G. GRCh37 (hg19) VCF-style: chr1-215990485-C-G.
Other names: short protein forms G3142R.
Identifiers: ClinVar variation 4707971 (VCV004707971.2).

ClinVar aggregate classification (germline): Uncertain significance. Review status: criteria provided, multiple submitters, no conflicts (2 of 4 stars). 2 submissions from 2 submitters: Uncertain significance (2). Last evaluated 2026-01-12.

gnomAD v4.1: 5 of 1,612,630 alleles (0.00031%); highest among the groups gnomAD compares: Non-Finnish European, 0.00034%; no homozygotes.

Submissions (2):

Labcorp Genetics (formerly Invitae), Labcorp
Classification: Uncertain significance. Last evaluated: 2026-01-12. Review status: criteria provided, single submitter. Criteria: Invitae Variant Classification Sherloc (09022015). Collection method: clinical testing. Allele origin: germline.
Comment: This sequence change replaces glycine, which is neutral and non-polar, with arginine, which is basic and polar, at codon 3142 of the USH2A protein (p.Gly3142Arg). This variant is present in population databases (no rsID available, gnomAD 0.0009%). This variant has not been reported in the literature in individuals affected with USH2A-related conditions. Invitae Evidence Modeling of protein sequence and biophysical properties (such as structural, functional, and spatial information, amino acid conservation, physicochemical variation, residue mobility, and thermodynamic stability) has been performed for this missense variant. However, the output from this modeling did not meet the statistical confidence thresholds required to predict the impact of this variant on USH2A protein function. In summary, the available evidence is currently insufficient to determine the role of this variant in disease. Therefore, it has been classified as a Variant of Uncertain Significance.

Blueprint Genetics
Classification: Uncertain significance. Last evaluated: 2019-05-22. Review status: criteria provided, single submitter. Criteria: ACMG Guidelines, 2015. Collection method: clinical testing. Allele origin: germline.